The following is an entry in ClinVar:

NM_006080.3(SEMA3A):c.1198A>G (p.Ile400Val)

Gene: SEMA3A (semaphorin 3A; minus strand). Cytogenetic location: 7q21.11.
Variant type: single nucleotide variant.
Coding change: c.1198A>G on transcript NM_006080.3 (MANE Select); coding-DNA position 1198, A replaced by G.
Protein change: p.Ile400Val; replaces isoleucine 400 with valine.
Molecular consequence: missense variant.
Genome position (GRCh38, 1-based): chr7:84,005,501, T>C on the plus strand (A>G on the coding strand, the complement: SEMA3A is on the minus strand). VCF-style: chr7-84005501-T-C. GRCh37 (hg19) VCF-style: chr7-83634817-T-C.
Other names: short protein forms I400V.
Identifiers: ClinVar variation 68831 (VCV000068831.10), dbSNP rs36026860, ClinGen allele CA220071.

ClinVar aggregate classification (germline): Conflicting classifications of pathogenicity. Review status: criteria provided, conflicting classifications (1 of 4 stars). 5 submissions from 5 submitters: Uncertain significance (2); Likely benign (1). 2 of the submissions do not count toward it. Last evaluated 2026-01-08.

Conditions:
SEMA3A-related disorder. Also called: SEMA3A-related condition.
Hypogonadotropic hypogonadism 16 with or without anosmia (HH16). Also called: HYPOGONADOTROPIC HYPOGONADISM 16 WITH ANOSMIA, SUSCEPTIBILITY TO. Identifiers: Orphanet 478, MedGen C3554021, MONDO:0013961, OMIM 614897.

Allele frequency attached by ClinVar (database versions not stated): gnomAD exomes 0.00009 and 0.00024; ExAC 0.00036; 1000 Genomes Project 0.00080; gnomAD 0.00088 and 0.00100; 1000 Genomes Project 30x 0.00094; TOPMed 0.00100; ESP Exome Variant Server 0.00115.
gnomAD v4.1: 273 of 1,614,068 alleles (0.017%); highest among the groups gnomAD compares: African/African-American, 0.29%; no homozygotes.

Submissions (5):

Labcorp Genetics (formerly Invitae), Labcorp
Classification: Likely benign. Last evaluated: 2026-01-08. Review status: criteria provided, single submitter. Criteria: Invitae Variant Classification Sherloc (09022015). Collection method: clinical testing. Allele origin: germline.

GeneDx
Classification: Uncertain significance. Last evaluated: 2024-07-30. Review status: criteria provided, single submitter. Criteria: GeneDx Variant Classification Process June 2021. Collection method: clinical testing. Allele origin: germline. Affected: yes.
Comment: Identified in a patient with Kallman syndrome in the published literature (PMID: 22927827); however, this individual also harbored a variant in a different gene that could be related to the phenotype; Identified by exome sequencing as a variant of uncertain significance in a patient with sudden infant death syndrome in the published literature (PMID: 28074886) who also harbored other variants of uncertain significance in multiple genes; In silico analysis supports that this missense variant does not alter protein structure/function; This variant is associated with the following publications: (PMID: 22927827, 34426522, 28074886)

Mendelics
Classification: Uncertain significance for Hypogonadotropic hypogonadism 16 with or without anosmia. Last evaluated: 2019-05-28. Review status: criteria provided, single submitter. Criteria: Mendelics Assertion Criteria 2017. Collection method: clinical testing. Allele origin: unknown.

PreventionGenetics, part of Exact Sciences
Classification: Likely benign for SEMA3A-related condition. Last evaluated: 2021-08-03. Review status: no assertion criteria provided. Collection method: clinical testing. Allele origin: germline. Not counted in ClinVar's aggregate classification.
Comment: This variant is classified as likely benign based on ACMG/AMP sequence variant interpretation guidelines (Richards et al. 2015 PMID: 25741868, with internal and published modifications).

UniProtKB/Swiss-Prot
No classification provided. Review status: no classification provided. Collection method: not provided. Allele origin: not provided. Not counted in ClinVar's aggregate classification.